The following is an entry in ClinVar:

ClinVar aggregate classification (germline): Pathogenic/Likely pathogenic. Review status: criteria provided, multiple submitters, no conflicts (2 of 4 stars). 2 submissions from 2 submitters: Pathogenic (1); Likely pathogenic (1). Last evaluated 2024-01-04.

Conditions:
COL10A1-related disorders.

Submissions (2):

Blueprint Genetics
Classification: Likely pathogenic for COL10A1-related disorders. Last evaluated: 2024-01-04. Review status: criteria provided, single submitter. Criteria: ACMG Guidelines, 2015. Collection method: clinical testing. Allele origin: germline. Affected: yes. Observed: 1 variant allele.

GeneDx
Classification: Pathogenic. Last evaluated: 2018-09-26. Review status: criteria provided, single submitter. Criteria: GeneDx Variant Classification (06012015). Collection method: clinical testing. Allele origin: germline. Affected: yes.
Comment: The c.1914delG variant in the COL10A1 gene has not been reported previously as a pathogenic variant nor as a benign variant, to our knowledge. This variant causes a frameshift starting with codon Serine 639, changes this amino acid to a Valine residue, and creates a premature Stop codon at position 38 of the new reading frame, denoted p.Ser639ValfsX38. The c.1914delG variant is predicted to cause loss of normal protein function through protein truncation. This variant is not observed in large population cohorts (Lek et al., 2016). We interpret c.1914delG as a pathogenic variant.

NM_000493.4(COL10A1):c.1914del (p.Ser639fs)

Genes: NT5DC1 (5'-nucleotidase domain containing 1; plus strand), COL10A1 (collagen type X alpha 1 chain; minus strand). Cytogenetic location: 6q22.1.
Variant type: Deletion.
Coding change: c.1914del on transcript NM_000493.4 (MANE Select); coding-DNA position 1914, one base deleted (G; older notation c.1914delG).
Protein change: p.Ser639fs; shifts the reading frame from serine 639.
Molecular consequence: frameshift variant. On other transcripts: intron variant (1).
Genome position (GRCh38, 1-based): chr6:116,120,202, C deleted on the plus strand (G on the coding strand, the reverse complement: COL10A1 is on the minus strand); the first of 3 consecutive C bases (chr6:116,120,202-116,120,204); deleting any one gives the same sequence. VCF-style (leftmost placement, unchanged base first): chr6-116120201-TC-T. GRCh37 (hg19) VCF-style: chr6-116441364-TC-T.
Other names: c.1914del, p.Ser639fs (NM_001424106.1, NM_001424107.1); c.529+2259del (NM_152729.3); short protein forms S639fs.
Identifiers: ClinVar variation 817837 (VCV000817837.2), dbSNP rs1582811912, ClinGen allele CA915943615.